The following is an entry in ClinVar:

NM_000444.6(PHEX):c.-429T>C

Gene: PHEX (phosphate regulating endopeptidase X-linked; plus strand). Cytogenetic location: Xp22.11.
Variant type: single nucleotide variant.
Coding change: c.-429T>C on transcript NM_000444.6 (MANE Select); 429 bases upstream of the start codon, T replaced by C.
Molecular consequence: 5 prime UTR variant.
Genome position (GRCh38, 1-based): chrX:22,032,577, T>C. VCF-style: chrX-22032577-T-C. GRCh37 (hg19) VCF-style: chrX-22050695-T-C.
Other names: c.-429T>C (NM_001282754.2).
Identifiers: ClinVar variation 2880743 (VCV002880743.3), dbSNP rs2519707414, ClinGen allele CA2739268110.

ClinVar aggregate classification (germline): Uncertain significance (1 of 4 stars; one submission).

Submission:

Labcorp Genetics (formerly Invitae), Labcorp
Classification: Uncertain significance. Last evaluated: 2023-10-04. Review status: criteria provided, single submitter. Criteria: Invitae Variant Classification Sherloc (09022015). Collection method: clinical testing. Allele origin: germline.
Comment: This variant occurs in a non-coding region of the PHEX gene. It does not change the encoded amino acid sequence of the PHEX protein. The frequency data for this variant in the population databases is considered unreliable, as metrics indicate insufficient coverage at this position in the gnomAD database. This variant has not been reported in the literature in individuals affected with PHEX-related conditions. In summary, the available evidence is currently insufficient to determine the role of this variant in disease. Therefore, it has been classified as a Variant of Uncertain Significance.